The following is an entry in ClinVar:

ClinVar aggregate classification (germline): Uncertain significance (1 of 4 stars; one submission).

gnomAD v4.1: 1 of 1,614,204 alleles (0.000062%); highest among the groups gnomAD compares: South Asian, 0.0011%; no homozygotes.

Submission:

CeGaT Center for Human Genetics Tuebingen
Classification: Uncertain significance. Last evaluated: 2025-09-01. Review status: criteria provided, single submitter. Criteria: CeGaT Center For Human Genetics Tuebingen Variant Classification Criteria Version 2. Collection method: clinical testing. Allele origin: germline. Affected: yes. Observed: 1 variant allele.
Comment: LIG4: PM2

NM_206937.2(LIG4):c.2159T>A (p.Val720Asp)

Gene: LIG4 (DNA ligase 4; minus strand). Cytogenetic location: 13q33.3.
Variant type: single nucleotide variant.
Coding change: c.2159T>A on transcript NM_206937.2 (MANE Select); coding-DNA position 2159, T replaced by A.
Protein change: p.Val720Asp; replaces valine 720 with aspartic acid.
Molecular consequence: missense variant.
Genome position (GRCh38, 1-based): chr13:108,209,110, A>T on the plus strand (T>A on the coding strand, the complement: LIG4 is on the minus strand). VCF-style: chr13-108209110-A-T. GRCh37 (hg19) VCF-style: chr13-108861458-A-T.
Other names: c.2159T>A, p.Val720Asp (NM_001098268.2, NM_001352598.2, NM_001352599.2 and 6 more transcripts); c.1958T>A, p.Val653Asp (NM_001330595.2); c.2195T>A, p.Val732Asp (NM_001352604.2); short protein forms V653D, V720D, V732D.
Identifiers: ClinVar variation 4280896 (VCV004280896.7).